The following is an entry in ClinVar:

ClinVar aggregate classification (germline): Benign/Likely benign. Review status: criteria provided, multiple submitters, no conflicts (2 of 4 stars). 8 submissions from 8 submitters: Benign (2); Likely benign (5). 1 of the submissions does not count toward it. Last evaluated 2026-04-01.

Conditions:
Inborn genetic diseases. Identifiers: MedGen C0950123, MeSH D030342.
Charcot-Marie-Tooth disease. Also called: Charcot-Marie-Tooth Hereditary Neuropathy; Charcot-Marie-Tooth Neuropathy. Identifiers: Orphanet 166, MedGen C0007959, MONDO:0015626.
Charcot-Marie-Tooth disease type 4. Also called: Charcot-Marie-Tooth disease, type IV; Charcot-Marie-Tooth, Type 4. Identifiers: Orphanet 64749, MedGen C4082197, MONDO:0018995.
SH3TC2-related disorder. Also called: SH3TC2-related disorders; SH3TC2-related condition. Identifiers: MedGen CN239303.

Allele frequency attached by ClinVar (database versions not stated): ESP Exome Variant Server 0.00023; ExAC 0.00046; gnomAD exomes 0.00047 and 0.00055; gnomAD 0.00056; 1000 Genomes Project 30x 0.00062; TOPMed 0.00073; 1000 Genomes Project 0.00080.
gnomAD v4.1: 898 of 1,614,028 alleles (0.056%); highest among the groups gnomAD compares: Middle Eastern, 0.13%; 3 homozygotes.

Submissions (8):

CeGaT Center for Human Genetics Tuebingen
Classification: Likely benign. Last evaluated: 2026-04-01. Review status: criteria provided, single submitter. Criteria: CeGaT Center For Human Genetics Tuebingen Variant Classification Criteria Version 2. Collection method: clinical testing. Allele origin: germline. Affected: yes. Observed: 4 variant alleles.
Comment: SH3TC2: BP4, BP7

Labcorp Genetics (formerly Invitae), Labcorp
Classification: Benign for Charcot-Marie-Tooth disease type 4. Last evaluated: 2026-01-26. Review status: criteria provided, single submitter. Criteria: Invitae Variant Classification Sherloc (09022015). Collection method: clinical testing. Allele origin: germline.

Blueprint Genetics
Classification: Likely benign. Last evaluated: 2024-11-21. Review status: criteria provided, single submitter. Criteria: ACMG Guidelines, 2015. Collection method: clinical testing. Allele origin: germline.

GeneDx
Classification: Likely benign. Last evaluated: 2019-10-02. Review status: criteria provided, single submitter. Criteria: GeneDx Variant Classification Process June 2021. Collection method: clinical testing. Allele origin: germline. Affected: yes.

Ambry Genetics
Classification: Likely benign for Inborn genetic diseases. Last evaluated: 2019-07-11. Review status: criteria provided, single submitter. Criteria: Ambry Variant Classification Scheme 2023. Collection method: clinical testing. Allele origin: germline.

Athena Diagnostics
Classification: Benign. Last evaluated: 2018-07-19. Review status: criteria provided, single submitter. Criteria: Athena Diagnostics Criteria. Collection method: clinical testing. Allele origin: germline.

Molecular Genetics Laboratory, London Health Sciences Centre
Classification: Likely benign for Charcot-Marie-Tooth disease. Review status: criteria provided, single submitter. Criteria: ACMG Guidelines, 2015. Collection method: clinical testing. Allele origin: germline. Affected: yes.

PreventionGenetics, part of Exact Sciences
Classification: Likely benign for SH3TC2-related condition. Last evaluated: 2023-12-11. Review status: no assertion criteria provided. Collection method: clinical testing. Allele origin: germline. Not counted in ClinVar's aggregate classification.
Comment: This variant is classified as likely benign based on ACMG/AMP sequence variant interpretation guidelines (Richards et al. 2015 PMID: 25741868, with internal and published modifications).

NM_024577.4(SH3TC2):c.1482C>T (p.Leu494=)

Gene: SH3TC2 (SH3 domain and tetratricopeptide repeats 2; minus strand). Cytogenetic location: 5q32.
Variant type: single nucleotide variant.
Coding change: c.1482C>T on transcript NM_024577.4 (MANE Select); coding-DNA position 1482, C replaced by T.
Protein change: p.Leu494=; no amino-acid change (leucine 494 retained).
Molecular consequence: synonymous variant.
Genome position (GRCh38, 1-based): chr5:149,028,250, G>A on the plus strand (C>T on the coding strand, the complement: SH3TC2 is on the minus strand). VCF-style: chr5-149028250-G-A. GRCh37 (hg19) VCF-style: chr5-148407813-G-A.
Identifiers: ClinVar variation 476885 (VCV000476885.60), dbSNP rs200665714, ClinGen allele CA3499168.